The following is an entry in ClinVar:

ClinVar aggregate classification (germline): Pathogenic. Review status: reviewed by expert panel (3 of 4 stars). 2 submissions from 2 submitters: Pathogenic (1). 1 of the submissions does not count toward it. Last evaluated 2017-12-15.

Conditions:
Breast-ovarian cancer, familial, susceptibility to, 2 (BROVCA2). Also called: BRCA2 Hereditary Breast and Ovarian Cancer. Identifiers: Orphanet 145, MedGen C2675520, MONDO:0012933, OMIM 612555. Disease mechanism: loss of function.
Familial cancer of breast. Also called: BREAST CANCER, FAMILIAL; Hereditary breast cancer; hereditary breast carcinoma. Identifiers: Orphanet 227535, MedGen C0346153, MONDO:0016419, OMIM 114480. Disease mechanism: loss of function.

Submissions (2):

Evidence-based Network for the Interpretation of Germline Mutant Alleles (ENIGMA)
Classification: Pathogenic for Breast-ovarian cancer, familial, susceptibility to, 2. Last evaluated: 2017-12-15. Review status: reviewed by expert panel. Criteria: ENIGMA BRCA1/2 Classification Criteria (2017-06-29). Collection method: curation. Allele origin: germline. Study: ENIGMA.
Comment: Variant allele predicted to encode a truncated non-functional protein.

ClinVar Staff, National Center for Biotechnology Information (NCBI)
No classification provided. Condition: Familial cancer of breast. Review status: no classification provided. Collection method: literature only. Allele origin: germline. Affected: yes. Not counted in ClinVar's aggregate classification.

Literature cited by the submitters: PubMed 22034289 (cited by ClinVar Staff, National Center for Biotechnology Information (NCBI)).

NM_000059.4(BRCA2):c.3929del (p.Thr1310fs)

Gene: BRCA2 (BRCA2 DNA repair associated; plus strand). Cytogenetic location: 13q13.1.
Variant type: Deletion.
Coding change: c.3929del on transcript NM_000059.4 (MANE Select); coding-DNA position 3929, one base deleted (C; older notation c.3929delC).
Protein change: p.Thr1310fs; shifts the reading frame from threonine 1310.
Molecular consequence: frameshift variant.
Genome position (GRCh38, 1-based): chr13:32,338,284, C deleted. VCF-style (leftmost placement, unchanged base first): chr13-32338283-AC-A. GRCh37 (hg19) VCF-style: chr13-32912420-AC-A.
Other names: c.3929delC (NM_000059.3); short protein forms T1310fs.
Identifiers: ClinVar variation 51565 (VCV000051565.3), dbSNP rs397507699, ClinGen allele CA019210.